The following is an entry in ClinVar:

NM_001370259.2(MEN1):c.461G>T (p.Ser154Ile)

Gene: MEN1 (menin 1; minus strand). Cytogenetic location: 11q13.1.
Variant type: single nucleotide variant.
Coding change: c.461G>T on transcript NM_001370259.2 (MANE Select); coding-DNA position 461, G replaced by T.
Protein change: p.Ser154Ile; replaces serine 154 with isoleucine.
Molecular consequence: missense variant.
Genome position (GRCh38, 1-based): chr11:64,808,084, C>A on the plus strand (G>T on the coding strand, the complement: MEN1 is on the minus strand). VCF-style: chr11-64808084-C-A. GRCh37 (hg19) VCF-style: chr11-64575556-C-A.
Other names: c.461G>T, p.Ser154Ile (NM_001370260.2, NM_001370261.2, NM_001370262.2 and 3 more transcripts); c.476G>T, p.Ser159Ile (NM_130800.3, NM_130801.3, NM_130802.3 and 3 more transcripts); short protein forms S154I, S159I.
Identifiers: ClinVar variation 1020937 (VCV001020937.8), dbSNP rs1941873896, ClinGen allele CA381186266.

ClinVar aggregate classification (germline): Uncertain significance (1 of 4 stars; one submission).

Conditions:
Multiple endocrine neoplasia, type 1 (MEN1). Also called: Endocrine adenomatosis multiple; MEN 1; WERMER SYNDROME; MEA I; MEN I. Identifiers: Orphanet 652, MedGen C0025267, MeSH D018761, MONDO:0007540, OMIM 131100.

Submission:

Labcorp Genetics (formerly Invitae), Labcorp
Classification: Uncertain significance for Multiple endocrine neoplasia, type 1. Last evaluated: 2020-02-05. Review status: criteria provided, single submitter. Criteria: Invitae Variant Classification Sherloc (09022015). Collection method: clinical testing. Allele origin: germline.
Comment: In summary, the available evidence is currently insufficient to determine the role of this variant in disease. Therefore, it has been classified as a Variant of Uncertain Significance. Algorithms developed to predict the effect of missense changes on protein structure and function are either unavailable or do not agree on the potential impact of this missense change (SIFT: "Deleterious"; PolyPhen-2: "Possibly Damaging"; Align-GVGD: "Class C0"). This variant has been observed in individual(s) with multiple endocrine neoplasia type 1 (PMID: 12050235). This variant is not present in population databases (ExAC no frequency). This sequence change replaces serine with isoleucine at codon 154 of the MEN1 protein (p.Ser154Ile). The serine residue is highly conserved and there is a large physicochemical difference between serine and isoleucine.

Literature cited by the submitters: PubMed 12050235.